The following is an entry in ClinVar:

ClinVar aggregate classification (germline): Likely pathogenic (1 of 4 stars; one submission).

Conditions:
Aortic aneurysm, familial thoracic 12. Identifiers: MedGen C5676959, MONDO:0030731, OMIM 619825.

Submission:

New York Genome Center
Classification: Likely pathogenic for Aortic aneurysm, familial thoracic 12. Last evaluated: 2023-04-13. Review status: criteria provided, single submitter. Criteria: NYGC Assertion Criteria 2020. Collection method: clinical testing. Allele origin: germline. Affected: yes. Observed: 1 heterozygote.
Comment: The chr15:((71456875_71457375)_71687553) loss is an approximately 230kb deletion on the long arm of chromosome 15. This deletion removes exon 8/18 and flanking intronic sequences of the THSD4 gene (MANE Select transcript NM_024817.3), and is predicted to lead to an out of frame consequence and loss of function via nonsense mediated decay. This variant is absent from population databases (gnomAD SVs v2.1, Database of GenomicVariation) suggesting it is not a common benign variant in the populations represented in those databases. A similar deletion of exon 8 has been reported in ClinVar as a Variant of Uncertain Significance (VarID: 1808966), and to our current knowledge this exact deletion nor similar deletions have been reported in affected individuals in the literature. However, nonsense and frameshift variants upstream and downstream of exon 8 have been reported in individuals in the literature withTAAD, and have been found to segregate with disease in affected families [PMID:32855533]. Given its deleterious nature and absence in population databases, the chr15:((71456875_71457375)_71687553) deletion identified in the THSD4 gene is reported as Likely Pathogenic.

Single allele

Genes: THSD4 (thrombospondin type 1 domain containing 4; plus strand), LOC121530590 (Sharpr-MPRA regulatory region 7020; plus strand), LOC125110355 (Sharpr-MPRA regulatory region 14876; plus strand), LOC126862169 (BRD4-independent group 4 enhancer GRCh37_chr15:71947880-71949079; plus strand), LOC130057452 (ATAC-STARR-seq lymphoblastoid silent region 6614; plus strand) and 1 more. Cytogenetic location: 15q23.
Variant type: copy number loss.
Identifiers: ClinVar variation 2584577 (VCV002584577.1).